The following is an entry in ClinVar:

NM_182961.4(SYNE1):c.11902-258G>C

Gene: SYNE1 (spectrin repeat containing nuclear envelope protein 1; minus strand). Cytogenetic location: 6q25.2.
Variant type: single nucleotide variant.
Coding change: c.11902-258G>C on transcript NM_182961.4 (MANE Select); 258 bases into the intron before coding-DNA position 11902, G replaced by C.
Molecular consequence: intron variant.
Genome position (GRCh38, 1-based): chr6:152,347,493, C>G on the plus strand (G>C on the coding strand, the complement: SYNE1 is on the minus strand). VCF-style: chr6-152347493-C-G. GRCh37 (hg19) VCF-style: chr6-152668628-C-G.
Other names: c.11689-258G>C (NM_033071.5).
Identifiers: ClinVar variation 683943 (VCV000683943.1), dbSNP rs7762904, ClinGen allele CA150195146.

ClinVar aggregate classification (germline): Benign (1 of 4 stars; one submission).

Allele frequency attached by ClinVar (database versions not stated): 1000 Genomes Project 30x 0.55590; TOPMed 0.56701; 1000 Genomes Project 0.55531.
gnomAD v4.1: 85,821 of 151,786 alleles (57%); highest among the groups gnomAD compares: East Asian, 66%; 24,705 homozygotes.

Submission:

GeneDx
Classification: Benign. Last evaluated: 2018-06-18. Review status: criteria provided, single submitter. Criteria: GeneDx Variant Classification (06012015). Collection method: clinical testing. Allele origin: germline. Affected: yes.
Comment: This variant is considered likely benign or benign based on one or more of the following criteria: it is a conservative change, it occurs at a poorly conserved position in the protein, it is predicted to be benign by multiple in silico algorithms, and/or has population frequency not consistent with disease.